The following is an entry in ClinVar:

NM_000170.3(GLDC):c.2990A>G (p.His997Arg)

Gene: GLDC (glycine decarboxylase; minus strand). Cytogenetic location: 9p24.1.
Variant type: single nucleotide variant.
Coding change: c.2990A>G on transcript NM_000170.3 (MANE Select); coding-DNA position 2990, A replaced by G.
Protein change: p.His997Arg; replaces histidine 997 with arginine.
Molecular consequence: missense variant.
Genome position (GRCh38, 1-based): chr9:6,533,090, T>C on the plus strand (A>G on the coding strand, the complement: GLDC is on the minus strand). VCF-style: chr9-6533090-T-C. GRCh37 (hg19) VCF-style: chr9-6533090-T-C.
Other names: short protein forms H997R.
Identifiers: ClinVar variation 1522809 (VCV001522809.6), dbSNP rs2129641211, ClinGen allele CA372881636.
Genomic context (GRCh38, chr9:6,533,090, plus strand): 5'-CTCTTTTGTTCAGAAAATGGAGACTCATAAACTTCCATGGGTGGGCAGGTACAAACCAGG[T>C]GCTGATCTCCATATATGTCATCAATCCGGGCAATCGTTGGCCAGAATTTGTTCTCTGGTT-3'
Protein context (NP_000161.2, residues 987-1007): ARIDDIYGDQ[His997Arg]LVCTCPPMEV

ClinVar aggregate classification (germline): Uncertain significance (1 of 4 stars; one submission).

Conditions:
Glycine encephalopathy. Also called: Nonketotic hyperglycinemia; Non-ketotic hyperglycinemia. Identifiers: Orphanet 407, MedGen C0751748, MONDO:0011612, HP:0008288.

Submission:

Labcorp Genetics (formerly Invitae), Labcorp
Classification: Uncertain significance for Glycine encephalopathy. Last evaluated: 2021-10-25. Review status: criteria provided, single submitter. Criteria: Invitae Variant Classification Sherloc (09022015). Collection method: clinical testing. Allele origin: germline.
Comment: This sequence change replaces histidine with arginine at codon 997 of the GLDC protein (p.His997Arg). The histidine residue is moderately conserved and there is a small physicochemical difference between histidine and arginine. This variant is not present in population databases (ExAC no frequency). This variant has not been reported in the literature in individuals with GLDC-related conditions. Algorithms developed to predict the effect of missense changes on protein structure and function are either unavailable or do not agree on the potential impact of this missense change (SIFT: "Deleterious"; PolyPhen-2: "Benign"; Align-GVGD: "Class C0"). In summary, the available evidence is currently insufficient to determine the role of this variant in disease. Therefore, it has been classified as a Variant of Uncertain Significance.